The following is an entry in ClinVar:

NM_003322.6(TULP1):c.*268C>A

Gene: TULP1 (TUB like protein 1; minus strand). Cytogenetic location: 6p21.31.
Variant type: single nucleotide variant.
Coding change: c.*268C>A on transcript NM_003322.6 (MANE Select); 268 bases downstream of the stop codon, C replaced by A.
Molecular consequence: 3 prime UTR variant.
Genome position (GRCh38, 1-based): chr6:35,498,059, G>T on the plus strand (C>A on the coding strand, the complement: TULP1 is on the minus strand). VCF-style: chr6-35498059-G-T. GRCh37 (hg19) VCF-style: chr6-35465836-G-T.
Other names: c.*268C>A (NM_001289395.2).
Identifiers: ClinVar variation 356464 (VCV000356464.5), dbSNP rs114707578, ClinGen allele CA10623709.
Genomic context (GRCh38, chr6:35,498,059, plus strand): 5'-TAAAACAACAATGACTACTGCTCCCGGACAGGAAGTGACTGGGGCGCGGGGAGGAGGGGG[G>T]CACAGCGGCGCAGGCGAGCTCCGAGACCAGATGTGCGGCTCCAACTCCAGATGTTCTTCA-3'

ClinVar aggregate classification (germline): Benign. Review status: criteria provided, single submitter (1 of 4 stars). 2 submissions from 1 submitter: Benign (2). Last evaluated 2018-01-12.

Conditions:
Retinitis pigmentosa (RP). Identifiers: Orphanet 791, MedGen C0035334, MeSH D012174, MONDO:0019200, OMIM 268000. Inheritance: Autosomal dominant, autosomal recessive and X linked inheritance.
Leber congenital amaurosis 15 (LCA15). Identifiers: Orphanet 65, MedGen C3151206, MONDO:0013457, OMIM 613843.

Allele frequency attached by ClinVar (database versions not stated): gnomAD 0.03449 and 0.03691; 1000 Genomes Project 0.03614; 1000 Genomes Project 30x 0.03748; TOPMed 0.03921.
gnomAD v4.1: 8,047 of 594,542 alleles (1.4%); highest among the groups gnomAD compares: African/African-American, 11%; 327 homozygotes.

Submissions (2):

Illumina Laboratory Services, Illumina
Classification: Benign for Leber congenital amaurosis 15. Last evaluated: 2018-01-12. Review status: criteria provided, single submitter. Criteria: ICSL Variant Classification Criteria 13 December 2019. Collection method: clinical testing. Allele origin: germline.
Comment: This variant was observed in the ICSL laboratory as part of a predisposition screen in an ostensibly healthy population. It had not been previously curated by ICSL or reported in the Human Gene Mutation Database (HGMD: prior to June 1st, 2018), and was therefore a candidate for classification through an automated scoring system. Utilizing variant allele frequency, disease prevalence and penetrance estimates, and inheritance mode, an automated score was calculated to assess if this variant is too frequent to cause the disease. Based on the score and internal cut-off values, a variant classified as benign is not then subjected to further curation. The score for this variant resulted in a classification of benign for this disease.

Illumina Laboratory Services, Illumina
Classification: Benign for Retinitis pigmentosa. Last evaluated: 2018-01-12. Review status: criteria provided, single submitter. Criteria: ICSL Variant Classification Criteria 13 December 2019. Collection method: clinical testing. Allele origin: germline.
Comment: the same text as in the submission from Illumina Laboratory Services, Illumina above.